The following is an entry in ClinVar:

NM_001042492.3(NF1):c.6053G>A (p.Ser2018Asn)

Gene: NF1 (neurofibromin 1; plus strand). Cytogenetic location: 17q11.2.
Variant type: single nucleotide variant.
Coding change: c.6053G>A on transcript NM_001042492.3 (MANE Select); coding-DNA position 6053, G replaced by A.
Protein change: p.Ser2018Asn; replaces serine 2018 with asparagine.
Molecular consequence: missense variant.
Genome position (GRCh38, 1-based): chr17:31,336,379, G>A. VCF-style: chr17-31336379-G-A. GRCh37 (hg19) VCF-style: chr17-29663397-G-A.
Other names: c.5990G>A, p.Ser1997Asn (NM_000267.4); short protein forms S2018N, S1997N.
Identifiers: ClinVar variation 842511 (VCV000842511.9), dbSNP rs2069669492, ClinGen allele CA399011115.
Genomic context (GRCh38, chr17:31,336,379, plus strand): 5'-CCTTCTTCAACTAGATTACAGATCTGCTTGATGTTGTACTAGACAGTTTCATCAAAACCA[G>A]TGCAACAGGTGGCTTGGGATCAATAAAAGCTGAGGTGATGGCAGATACTGCTGTAGCTTT-3'
Protein context (NP_001035957.1, residues 2008-2028): DVVLDSFIKT[Ser2018Asn]ATGGLGSIKA

ClinVar aggregate classification (germline): Pathogenic/Likely pathogenic. Review status: criteria provided, multiple submitters, no conflicts (2 of 4 stars). 3 submissions from 3 submitters: Pathogenic (1); Likely pathogenic (2). Last evaluated 2025-04-28.

Conditions:
NF1-related disorder. Also called: NF1-related condition. Identifiers: MedGen CN379171.
Cardiovascular phenotype. Identifiers: MedGen CN230736.
Hereditary cancer-predisposing syndrome. Also called: Hereditary Cancer Syndrome; Neoplastic Syndromes, Hereditary; Hereditary neoplastic syndrome; Tumor predisposition. Identifiers: Orphanet 140162, MedGen C0027672, MeSH D009386, MONDO:0015356.
Neurofibromatosis, type 1 (NF1). Also called: Peripheral type neurofibromatosis; VON RECKLINGHAUSEN DISEASE; Neurofibromatosis, type I; NEUROFIBROMATOSIS, TYPE I, SOMATIC. Identifiers: Orphanet 636, MedGen C0027831, MONDO:0018975, OMIM 162200. Disease mechanism: loss of function.

Submissions (3):

Labcorp Genetics (formerly Invitae), Labcorp
Classification: Pathogenic for Neurofibromatosis, type 1. Last evaluated: 2025-04-28. Review status: criteria provided, single submitter. Criteria: Invitae Variant Classification Sherloc (09022015). Collection method: clinical testing. Allele origin: germline.
Comment: This sequence change replaces serine, which is neutral and polar, with asparagine, which is neutral and polar, at codon 1997 of the NF1 protein (p.Ser1997Asn). This variant is not present in population databases (gnomAD no frequency). This missense change has been observed in individual(s) with clinical features of neurofibromatosis type I (internal data). ClinVar contains an entry for this variant (Variation ID: 842511). Invitae Evidence Modeling of protein sequence and biophysical properties (such as structural, functional, and spatial information, amino acid conservation, physicochemical variation, residue mobility, and thermodynamic stability) indicates that this missense variant is expected to disrupt NF1 protein function with a positive predictive value of 95%. This variant disrupts the p.Ser1997 amino acid residue in NF1. Other variant(s) that disrupt this residue have been determined to be pathogenic (PMID: 30308447, 32575496, 34694046). This suggests that this residue is clinically significant, and that variants that disrupt this residue are likely to be disease-causing. For these reasons, this variant has been classified as Pathogenic.

Ambry Genetics
Classification: Likely pathogenic for Cardiovascular phenotype; Hereditary cancer-predisposing syndrome. Last evaluated: 2025-03-20. Review status: criteria provided, single submitter. Criteria: Ambry Variant Classification Scheme 2023. Collection method: clinical testing. Allele origin: germline.
Comment: The p.S1997N variant (also known as c.5990G>A), located in coding exon 40 of the NF1 gene, results from a G to A substitution at nucleotide position 5990. The serine at codon 1997 is replaced by asparagine, an amino acid with highly similar properties. This variant has been observed in multiple individuals with features consistent with neurofibromatosis type 1 and reported to be the result of a de novo mutation in at least one individual (Ambry internal data; external communication). This missense alteration is located in a region that has a low rate of benign missense variation (Lek M et al. Nature. 2016 Aug 18;536(7616):285-91; DECIPHER: Database of Chromosomal Imbalance and Phenotype in Humans using Ensembl Resources. Firth H.V. et al. 2009. Am.J.Hum.Genet. 84, 524-533 (DOI)). This amino acid position is highly conserved in available vertebrate species. In addition, the in silico prediction for this alteration is inconclusive. This variant is considered to be rare based on population cohorts in the Genome Aggregation Database (gnomAD). Based on the majority of available evidence to date, this variant is likely to be pathogenic.

Blueprint Genetics
Classification: Likely pathogenic for NF1-related disorders. Last evaluated: 2024-10-18. Review status: criteria provided, single submitter. Criteria: ACMG Guidelines, 2015. Collection method: clinical testing. Allele origin: germline. Affected: yes. Observed: 1 variant allele.

Literature cited by the submitters: PubMed 30308447 (cited by Labcorp Genetics (formerly Invitae), Labcorp); PubMed 32575496 (cited by Labcorp Genetics (formerly Invitae), Labcorp); PubMed 34694046 (cited by Labcorp Genetics (formerly Invitae), Labcorp).